The following is an entry in ClinVar:

ClinVar aggregate classification (germline): Likely benign (1 of 4 stars; one submission).

Allele frequency attached by ClinVar (database versions not stated): gnomAD exomes 0.00026; gnomAD 0.00028; TOPMed 0.00033; ExAC 0.00051; ESP Exome Variant Server 0.00066.
gnomAD v4.1: 343 of 1,209,278 alleles (0.028%); highest among the groups gnomAD compares: Middle Eastern, 0.17%; 2 homozygotes.

Submission:

CeGaT Center for Human Genetics Tuebingen
Classification: Likely benign. Last evaluated: 2022-03-01. Review status: criteria provided, single submitter. Criteria: CeGaT Center For Human Genetics Tuebingen Variant Classification Criteria Version 2. Collection method: clinical testing. Allele origin: germline. Affected: yes. Observed: 1 variant allele.
Comment: USP26: BP4

NM_031907.3(USP26):c.2738A>G (p.Glu913Gly)

Gene: USP26 (ubiquitin specific peptidase 26; minus strand). Cytogenetic location: Xq26.2.
Variant type: single nucleotide variant.
Coding change: c.2738A>G on transcript NM_031907.3 (MANE Select); coding-DNA position 2738, A replaced by G.
Protein change: p.Glu913Gly; replaces glutamic acid 913 with glycine.
Molecular consequence: missense variant.
Genome position (GRCh38, 1-based): chrX:133,025,483, T>C on the plus strand (A>G on the coding strand, the complement: USP26 is on the minus strand). VCF-style: chrX-133025483-T-C. GRCh37 (hg19) VCF-style: chrX-132159511-T-C.
Other names: short protein forms E913G.
Identifiers: ClinVar variation 2661458 (VCV002661458.24), dbSNP rs139350477, ClinGen allele CA10519743.